The following is an entry in ClinVar:

ClinVar aggregate classification (germline): Likely benign (1 of 4 stars; one submission).

Allele frequency attached by ClinVar (database versions not stated): gnomAD exomes below 0.00001.

Submission:

Women's Health and Genetics/Laboratory Corporation of America, LabCorp
Classification: Likely benign. Last evaluated: 2024-04-19. Review status: criteria provided, single submitter. Criteria: LabCorp Variant Classification Summary - May 2015. Collection method: clinical testing. Allele origin: germline.
Comment: Variant summary: HSD17B4 c.740-10C>G alters a conserved nucleotide located at a position not widely known to affect splicing. Consensus agreement among computation tools predict no significant impact on normal splicing. However, these predictions have yet to be confirmed by functional studies. The variant allele was found at a frequency of 4e-06 in 250630 control chromosomes. The available data on variant occurrences in the general population are insufficient to allow any conclusion about variant significance. To our knowledge, no occurrence of c.740-10C>G in individuals affected with D-Bifunctional Protein Deficiency and no experimental evidence demonstrating its impact on protein function have been reported. No submitters have cited clinical-significance assessments for this variant to ClinVar. Based on the evidence outlined above, the variant was classified as likely benign.

NM_000414.4(HSD17B4):c.740-10C>G

Gene: HSD17B4 (hydroxysteroid 17-beta dehydrogenase 4; plus strand). Cytogenetic location: 5q23.1.
Variant type: single nucleotide variant.
Coding change: c.740-10C>G on transcript NM_000414.4 (MANE Select); 10 bases into the intron before coding-DNA position 740, C replaced by G.
Molecular consequence: intron variant. On other transcripts: non-coding transcript variant (1).
Genome position (GRCh38, 1-based): chr5:119,493,808, C>G. VCF-style: chr5-119493808-C-G. GRCh37 (hg19) VCF-style: chr5-118829503-C-G.
Other names: c.329-10C>G (NM_001374503.1, NM_001374502.1, NM_001374501.1); c.815-10C>G (NM_001199291.3); c.413-10C>G (NM_001374499.1); c.299-10C>G (NM_001374500.1); c.320-10C>G (NM_001292028.2); c.668-10C>G (NM_001292027.2); c.740-10C>G (NM_001374498.1); c.731-10C>G (NM_001374497.1); and 1 more.
Identifiers: ClinVar variation 3251851 (VCV003251851.1), dbSNP rs1386509610.